The following is an entry in ClinVar:

NM_015346.4(ZFYVE26):c.363+1G>A

Gene: ZFYVE26 (zinc finger FYVE-type containing 26; minus strand). Cytogenetic location: 14q24.1.
Variant type: single nucleotide variant.
Coding change: c.363+1G>A on transcript NM_015346.4 (MANE Select); the canonical splice donor site of the intron after coding-DNA position 363, G replaced by A.
Molecular consequence: splice donor variant.
Genome position (GRCh38, 1-based): chr14:67,809,199, C>T on the plus strand (G>A on the coding strand, the complement: ZFYVE26 is on the minus strand). VCF-style: chr14-67809199-C-T. GRCh37 (hg19) VCF-style: chr14-68275916-C-T.
Identifiers: ClinVar variation 551491 (VCV000551491.11), dbSNP rs935301743, ClinGen allele CA262813438.
Genomic context (GRCh38, chr14:67,809,199, plus strand): 5'-GAAGCTAAGCTGCTTAAGTGACTGTCAACCCTGGGCAGATGGTACCAGGGCTCTCTCTCA[C>T]CTCGAGGATGTTCTCTGGAATGTCACCTTGGAGGTCTTCTGACAATAAAAGAAACTCAAG-3'

ClinVar aggregate classification (germline): Pathogenic. Review status: criteria provided, multiple submitters, no conflicts (2 of 4 stars). 3 submissions from 3 submitters: Pathogenic (2). 1 of the submissions does not count toward it. Last evaluated 2023-03-27.

Conditions:
Spastic paraplegia. Identifiers: MedGen C0037772, HP:0001258.
Hereditary spastic paraplegia. Also called: Familial spastic paraparesis. Identifiers: Orphanet 685, MedGen C0037773, MONDO:0019064. Disease mechanism: loss of function.
Hereditary spastic paraplegia 15 (SPG15). Also called: SPASTIC PARAPLEGIA 15, AUTOSOMAL RECESSIVE; KJELLIN SYNDROME; SPASTIC PARAPLEGIA AND RETINAL DEGENERATION. Identifiers: Orphanet 100996, MedGen C1849128, MONDO:0010044, OMIM 270700.

Allele frequency attached by ClinVar (database versions not stated): TOPMed below 0.00001; gnomAD 0.00001.
gnomAD v4.1: 4 of 1,613,688 alleles (0.00025%); highest among the groups gnomAD compares: Non-Finnish European, 0.00034%; no homozygotes.

Submissions (3):

Labcorp Genetics (formerly Invitae), Labcorp
Classification: Pathogenic for Spastic paraplegia. Last evaluated: 2023-03-27. Review status: criteria provided, single submitter. Criteria: Invitae Variant Classification Sherloc (09022015). Collection method: clinical testing. Allele origin: germline.
Comment: ClinVar contains an entry for this variant (Variation ID: 551491). Disruption of this splice site has been observed in individual(s) with clinical features of ZFYVE26-related disease (Invitae). In at least one individual the data is consistent with being in trans (on the opposite chromosome) from a pathogenic variant. This variant is not present in population databases (gnomAD no frequency). This sequence change affects a donor splice site in intron 4 of the ZFYVE26 gene. It is expected to disrupt RNA splicing. Variants that disrupt the donor or acceptor splice site typically lead to a loss of protein function (PMID: 16199547), and loss-of-function variants in ZFYVE26 are known to be pathogenic (PMID: 18394578, 19805727). Algorithms developed to predict the effect of sequence changes on RNA splicing suggest that this variant may disrupt the consensus splice site. For these reasons, this variant has been classified as Pathogenic.

Genome Diagnostics Laboratory, The Hospital for Sick Children
Classification: Pathogenic for Hereditary spastic paraplegia. Last evaluated: 2016-12-12. Review status: criteria provided, single submitter. Criteria: ACMG Guidelines, 2015. Collection method: clinical testing. Allele origin: germline. Affected: yes.

Counsyl
Classification: Likely pathogenic for Hereditary spastic paraplegia 15. Last evaluated: 2017-04-12. Review status: no assertion criteria provided. Collection method: clinical testing. Allele origin: unknown. Not counted in ClinVar's aggregate classification.

Literature cited by the submitters: PubMed 16199547 (cited by Labcorp Genetics (formerly Invitae), Labcorp); PubMed 18394578 (cited by Labcorp Genetics (formerly Invitae), Labcorp); PubMed 19805727 (cited by Labcorp Genetics (formerly Invitae), Labcorp).